The following is an entry in ClinVar:

NM_002473.6(MYH9):c.2309A>G (p.His770Arg)

Gene: MYH9 (myosin heavy chain 9; minus strand). Cytogenetic location: 22q12.3.
Variant type: single nucleotide variant.
Coding change: c.2309A>G on transcript NM_002473.6 (MANE Select); coding-DNA position 2309, A replaced by G.
Protein change: p.His770Arg; replaces histidine 770 with arginine.
Molecular consequence: missense variant.
Genome position (GRCh38, 1-based): chr22:36,304,076, T>C on the plus strand (A>G on the coding strand, the complement: MYH9 is on the minus strand). VCF-style: chr22-36304076-T-C. GRCh37 (hg19) VCF-style: chr22-36700122-T-C.
Other names: short protein forms H770R.
Identifiers: ClinVar variation 1382289 (VCV001382289.6), dbSNP rs2146346627, ClinGen allele CA411396412.
Genomic context (GRCh38, chr22:36,304,076, plus strand): 5'-CAGCAGGCCTGGAACCCTATGATGACGTCGGTGATCTTCAGGTCTCGCTCCTCCTCCAGG[T>C]GGGCCAGCACACCGGCACGGAAGAAGACTTTGCTCTGGCCAATGCGGTACAGATTGCTGT-3'
Protein context (NP_002464.1, residues 760-780): KVFFRAGVLA[His770Arg]LEEERDLKIT

ClinVar aggregate classification (germline): Uncertain significance (1 of 4 stars; one submission).

Allele frequency attached by ClinVar (database versions not stated): gnomAD exomes below 0.00001.
gnomAD v4.1: 2 of 1,613,850 alleles (0.00012%); highest among the groups gnomAD compares: Non-Finnish European, 0.00017%; no homozygotes.

Submission:

Labcorp Genetics (formerly Invitae), Labcorp
Classification: Uncertain significance. Last evaluated: 2021-09-19. Review status: criteria provided, single submitter. Criteria: Invitae Variant Classification Sherloc (09022015). Collection method: clinical testing. Allele origin: germline.
Comment: In summary, the available evidence is currently insufficient to determine the role of this variant in disease. Therefore, it has been classified as a Variant of Uncertain Significance. Algorithms developed to predict the effect of missense changes on protein structure and function are either unavailable or do not agree on the potential impact of this missense change (SIFT: "Tolerated"; PolyPhen-2: "Possibly Damaging"; Align-GVGD: "Class C0"). This variant has not been reported in the literature in individuals affected with MYH9-related conditions. This variant is not present in population databases (ExAC no frequency). This sequence change replaces histidine with arginine at codon 770 of the MYH9 protein (p.His770Arg). The histidine residue is highly conserved and there is a small physicochemical difference between histidine and arginine.